The following is an entry in ClinVar:

ClinVar aggregate classification (germline): Uncertain significance (1 of 4 stars; one submission).

Conditions:
Familial thoracic aortic aneurysm and aortic dissection (TAAD). Also called: Thoracic aortic aneurysms and dissections. Identifiers: Orphanet 91387, MedGen C4707243, MONDO:0019625.

Submission:

Ambry Genetics
Classification: Uncertain significance for Familial thoracic aortic aneurysm and aortic dissection. Last evaluated: 2024-10-03. Review status: criteria provided, single submitter. Criteria: Ambry Variant Classification Scheme 2023. Collection method: clinical testing. Allele origin: germline.
Comment: The p.P905R variant (also known as c.2714C>G), located in coding exon 39 of the COL3A1 gene, results from a C to G substitution at nucleotide position 2714. The proline at codon 905 is replaced by arginine, an amino acid with dissimilar properties. This amino acid position is not well conserved in available vertebrate species. In addition, the in silico prediction for this alteration is inconclusive. Based on the available evidence, the clinical significance of this variant remains unclear.

NM_000090.4(COL3A1):c.2714C>G (p.Pro905Arg)

Gene: COL3A1 (collagen type III alpha 1 chain; plus strand). Cytogenetic location: 2q32.2.
Variant type: single nucleotide variant.
Coding change: c.2714C>G on transcript NM_000090.4 (MANE Select); coding-DNA position 2714, C replaced by G.
Protein change: p.Pro905Arg; replaces proline 905 with arginine.
Molecular consequence: missense variant.
Genome position (GRCh38, 1-based): chr2:189,004,034, C>G. VCF-style: chr2-189004034-C-G. GRCh37 (hg19) VCF-style: chr2-189868760-C-G.
Other names: short protein forms P905R.
Identifiers: ClinVar variation 3495463 (VCV003495463.1).